The following is an entry in ClinVar:

NM_080632.3(UPF3B):c.311A>G (p.Gln104Arg)

Gene: UPF3B (UPF3B regulator of nonsense mediated mRNA decay; minus strand). Cytogenetic location: Xq24.
Variant type: single nucleotide variant.
Coding change: c.311A>G on transcript NM_080632.3 (MANE Select); coding-DNA position 311, A replaced by G.
Protein change: p.Gln104Arg; replaces glutamine 104 with arginine.
Molecular consequence: missense variant.
Genome position (GRCh38, 1-based): chrX:119,851,554, T>C on the plus strand (A>G on the coding strand, the complement: UPF3B is on the minus strand). VCF-style: chrX-119851554-T-C. GRCh37 (hg19) VCF-style: chrX-118985517-T-C.
Other names: c.311A>G, p.Gln104Arg (NM_023010.4); short protein forms Q104R.
Identifiers: ClinVar variation 3703321 (VCV003703321.2).

ClinVar aggregate classification (germline): Uncertain significance (1 of 4 stars; one submission).

Conditions:
Intellectual developmental disorder, X-linked, syndromic 14. Also called: Syndromic X-linked intellectual disability 14. Identifiers: Orphanet 776, MedGen C1970822, MONDO:0010398, OMIM 300676.

gnomAD v4.1: 1 of 1,209,908 alleles (0.000083%); highest among the groups gnomAD compares: East Asian, 0.003%; no homozygotes.

Submission:

Labcorp Genetics (formerly Invitae), Labcorp
Classification: Uncertain significance for Intellectual developmental disorder, X-linked, syndromic 14. Last evaluated: 2024-10-10. Review status: criteria provided, single submitter. Criteria: Invitae Variant Classification Sherloc (09022015). Collection method: clinical testing. Allele origin: germline.
Comment: This sequence change replaces glutamine, which is neutral and polar, with arginine, which is basic and polar, at codon 104 of the UPF3B protein (p.Gln104Arg). This variant is present in population databases (no rsID available, gnomAD 0.008%), including at least one homozygous and/or hemizygous individual. This variant has not been reported in the literature in individuals affected with UPF3B-related conditions. Invitae Evidence Modeling of protein sequence and biophysical properties (such as structural, functional, and spatial information, amino acid conservation, physicochemical variation, residue mobility, and thermodynamic stability) has been performed for this missense variant. However, the output from this modeling did not meet the statistical confidence thresholds required to predict the impact of this variant on UPF3B protein function. In summary, the available evidence is currently insufficient to determine the role of this variant in disease. Therefore, it has been classified as a Variant of Uncertain Significance.